The following is an entry in ClinVar:

NM_004960.4(FUS):c.153C>T (p.Gly51=)

Gene: FUS (FUS DNA/RNA binding protein; plus strand). Cytogenetic location: 16p11.2.
Variant type: single nucleotide variant.
Coding change: c.153C>T on transcript NM_004960.4 (MANE Select); coding-DNA position 153, C replaced by T.
Protein change: p.Gly51=; no amino-acid change (glycine 51 retained).
Molecular consequence: synonymous variant. On other transcripts: non-coding transcript variant (1).
Genome position (GRCh38, 1-based): chr16:31,182,627, C>T. VCF-style: chr16-31182627-C-T. GRCh37 (hg19) VCF-style: chr16-31193948-C-T.
Other names: p.Gly51=; c.153C>T, p.Gly51= (NM_001170634.1, NM_001170937.1).
Identifiers: ClinVar variation 259595 (VCV000259595.23), dbSNP rs61733962, ClinGen allele CA8023453.

ClinVar aggregate classification (germline): Benign. Review status: criteria provided, multiple submitters, no conflicts (2 of 4 stars). 8 submissions from 8 submitters: Benign (6). 2 of the submissions do not count toward it. Last evaluated 2026-02-02.

Conditions:
Amyotrophic lateral sclerosis type 6. Also called: Amyotrophic lateral sclerosis 6, with or without frontotemporal dementia; AMYOTROPHIC LATERAL SCLEROSIS 6 WITHOUT FRONTOTEMPORAL DEMENTIA; FUS-Related Amyotrophic Laterial Sclerosis. Identifiers: Orphanet 275872, Orphanet 803, MedGen C2931786, MONDO:0011951, OMIM 608030.
Tremor, hereditary essential, 4 (ETM4). Identifiers: MedGen C3539195, MONDO:0013888, OMIM 614782.

Allele frequency attached by ClinVar (database versions not stated): gnomAD 0.03329 and 0.03144; 1000 Genomes Project 0.03375; TOPMed 0.03424; ESP Exome Variant Server 0.03517; 1000 Genomes Project 30x 0.03576; gnomAD exomes 0.00994; ExAC 0.01223.
gnomAD v4.1: 12,502 of 1,614,074 alleles (0.77%); highest among the groups gnomAD compares: African/African-American, 10%; 442 homozygotes.

Submissions 1 to 29 of 89:

Labcorp Genetics (formerly Invitae), Labcorp
Classification: Benign for Tremor, hereditary essential, 4; Amyotrophic lateral sclerosis type 6. Last evaluated: 2026-02-02. Review status: criteria provided, single submitter. Criteria: Invitae Variant Classification Sherloc (09022015). Collection method: clinical testing. Allele origin: germline.

GeneDx
Classification: Benign. Last evaluated: 2018-08-31. Review status: criteria provided, single submitter. Criteria: GeneDx Variant Classification Process June 2021. Collection method: clinical testing. Allele origin: germline. Affected: yes.

Mayo Clinic Laboratories, Mayo Clinic
Classification: Benign. Last evaluated: 2018-01-17. Review status: criteria provided, single submitter. Criteria: ACMG Guidelines, 2015. Collection method: clinical testing. Allele origin: germline. Observed: 24 variant alleles.

Illumina Laboratory Services, Illumina
Classification: Benign for Amyotrophic lateral sclerosis type 6. Last evaluated: 2018-01-13. Review status: criteria provided, single submitter. Criteria: ICSL Variant Classification Criteria 13 December 2019. Collection method: clinical testing. Allele origin: germline.
Comment: This variant was observed in the ICSL laboratory as part of a predisposition screen in an ostensibly healthy population. It had not been previously curated by ICSL or reported in the Human Gene Mutation Database (HGMD: prior to June 1st, 2018), and was therefore a candidate for classification through an automated scoring system. Utilizing variant allele frequency, disease prevalence and penetrance estimates, and inheritance mode, an automated score was calculated to assess if this variant is too frequent to cause the disease. Based on the score and internal cut-off values, a variant classified as benign is not then subjected to further curation. The score for this variant resulted in a classification of benign for this disease.

Breakthrough Genomics
Classification: Benign. Review status: criteria provided, single submitter. Criteria: ACMG Guidelines, 2015. Collection method: not provided. Allele origin: germline. Inheritance: Autosomal dominant inheritance. Affected: yes.

PreventionGenetics, part of Exact Sciences
Classification: Benign. Review status: criteria provided, single submitter. Criteria: ACMG Guidelines, 2015. Collection method: clinical testing. Allele origin: germline.

Clinical Genetics DNA and cytogenetics Diagnostics Lab, Erasmus MC, Erasmus Medical Center
Classification: Benign. Review status: no assertion criteria provided. Collection method: clinical testing. Allele origin: germline. Affected: yes. Study: VKGL Data-share Consensus. Not counted in ClinVar's aggregate classification.

Dr. Peter K. Rogan Lab, Western University
No classification provided (evidence only). Condition: Clear cell carcinoma of kidney. Review status: no classification provided. Collection method: in vitro. Allele origin: not applicable. Functional consequence: retained intron. Not counted in ClinVar's aggregate classification.

Dr. Peter K. Rogan Lab, Western University
No classification provided (evidence only). Condition: Clear cell carcinoma of kidney. Review status: no classification provided. Collection method: in vitro. Allele origin: not applicable. Functional consequence: retained intron. Not counted in ClinVar's aggregate classification.

Dr. Peter K. Rogan Lab, Western University
No classification provided (evidence only). Condition: Clear cell carcinoma of kidney. Review status: no classification provided. Collection method: in vitro. Allele origin: not applicable. Functional consequence: skipped exon, retained intron. Not counted in ClinVar's aggregate classification.

Dr. Peter K. Rogan Lab, Western University
No classification provided (evidence only). Condition: Clear cell carcinoma of kidney. Review status: no classification provided. Collection method: in vitro. Allele origin: not applicable. Functional consequence: retained intron. Not counted in ClinVar's aggregate classification.

Dr. Peter K. Rogan Lab, Western University
No classification provided (evidence only). Condition: Clear cell carcinoma of kidney. Review status: no classification provided. Collection method: in vitro. Allele origin: not applicable. Functional consequence: retained intron. Not counted in ClinVar's aggregate classification.

Dr. Peter K. Rogan Lab, Western University
No classification provided (evidence only). Condition: Clear cell carcinoma of kidney. Review status: no classification provided. Collection method: in vitro. Allele origin: not applicable. Functional consequence: retained intron. Not counted in ClinVar's aggregate classification.

Dr. Peter K. Rogan Lab, Western University
No classification provided (evidence only). Condition: Clear cell carcinoma of kidney. Review status: no classification provided. Collection method: in vitro. Allele origin: not applicable. Functional consequence: retained intron. Not counted in ClinVar's aggregate classification.

Dr. Peter K. Rogan Lab, Western University
No classification provided (evidence only). Condition: Clear cell carcinoma of kidney. Review status: no classification provided. Collection method: in vitro. Allele origin: not applicable. Functional consequence: retained intron. Not counted in ClinVar's aggregate classification.

Dr. Peter K. Rogan Lab, Western University
No classification provided (evidence only). Condition: Clear cell carcinoma of kidney. Review status: no classification provided. Collection method: in vitro. Allele origin: not applicable. Functional consequence: retained intron. Not counted in ClinVar's aggregate classification.

Dr. Peter K. Rogan Lab, Western University
No classification provided (evidence only). Condition: Clear cell carcinoma of kidney. Review status: no classification provided. Collection method: in vitro. Allele origin: not applicable. Functional consequence: retained intron. Not counted in ClinVar's aggregate classification.

Dr. Peter K. Rogan Lab, Western University
No classification provided (evidence only). Condition: Clear cell carcinoma of kidney. Review status: no classification provided. Collection method: in vitro. Allele origin: not applicable. Functional consequence: retained intron. Not counted in ClinVar's aggregate classification.

Dr. Peter K. Rogan Lab, Western University
No classification provided (evidence only). Condition: Clear cell carcinoma of kidney. Review status: no classification provided. Collection method: in vitro. Allele origin: not applicable. Functional consequence: retained intron. Not counted in ClinVar's aggregate classification.

Dr. Peter K. Rogan Lab, Western University
No classification provided (evidence only). Condition: Clear cell carcinoma of kidney. Review status: no classification provided. Collection method: in vitro. Allele origin: not applicable. Functional consequence: retained intron. Not counted in ClinVar's aggregate classification.

Dr. Peter K. Rogan Lab, Western University
No classification provided (evidence only). Condition: Clear cell carcinoma of kidney. Review status: no classification provided. Collection method: in vitro. Allele origin: not applicable. Functional consequence: retained intron. Not counted in ClinVar's aggregate classification.

Dr. Peter K. Rogan Lab, Western University
No classification provided (evidence only). Condition: Clear cell carcinoma of kidney. Review status: no classification provided. Collection method: in vitro. Allele origin: not applicable. Functional consequence: retained intron. Not counted in ClinVar's aggregate classification.

Dr. Peter K. Rogan Lab, Western University
No classification provided (evidence only). Condition: Lung cancer. Review status: no classification provided. Collection method: in vitro. Allele origin: not applicable. Functional consequence: retained intron. Not counted in ClinVar's aggregate classification.

Dr. Peter K. Rogan Lab, Western University
No classification provided (evidence only). Condition: Lung cancer. Review status: no classification provided. Collection method: in vitro. Allele origin: not applicable. Functional consequence: retained intron. Not counted in ClinVar's aggregate classification.

Dr. Peter K. Rogan Lab, Western University
No classification provided (evidence only). Condition: Lung cancer. Review status: no classification provided. Collection method: in vitro. Allele origin: not applicable. Functional consequence: retained intron. Not counted in ClinVar's aggregate classification.

Dr. Peter K. Rogan Lab, Western University
No classification provided (evidence only). Condition: Melanoma. Review status: no classification provided. Collection method: in vitro. Allele origin: not applicable. Functional consequence: retained intron. Not counted in ClinVar's aggregate classification.

Dr. Peter K. Rogan Lab, Western University
No classification provided (evidence only). Condition: Melanoma. Review status: no classification provided. Collection method: in vitro. Allele origin: not applicable. Functional consequence: retained intron. Not counted in ClinVar's aggregate classification.

Dr. Peter K. Rogan Lab, Western University
No classification provided (evidence only). Condition: Melanoma. Review status: no classification provided. Collection method: in vitro. Allele origin: not applicable. Functional consequence: retained intron. Not counted in ClinVar's aggregate classification.

Dr. Peter K. Rogan Lab, Western University
No classification provided (evidence only). Condition: Acute myeloid leukemia. Review status: no classification provided. Collection method: in vitro. Allele origin: not applicable. Functional consequence: retained intron. Not counted in ClinVar's aggregate classification.